The following is an entry in ClinVar:

NM_001659.3(ARF3):c.277G>A (p.Asp93Asn)

Gene: ARF3 (ARF GTPase 3; minus strand). Cytogenetic location: 12q13.12.
Variant type: single nucleotide variant.
Coding change: c.277G>A on transcript NM_001659.3 (MANE Select); coding-DNA position 277, G replaced by A.
Protein change: p.Asp93Asn; replaces aspartic acid 93 with asparagine.
Molecular consequence: missense variant.
Genome position (GRCh38, 1-based): chr12:48,939,762, C>T on the plus strand (G>A on the coding strand, the complement: ARF3 is on the minus strand). VCF-style: chr12-48939762-C-T. GRCh37 (hg19) VCF-style: chr12-49333545-C-T.
Other names: c.277G>A (NM_001659.2); short protein forms D93N.
Identifiers: ClinVar variation 1697212 (VCV001697212.8), dbSNP rs2498893389, ClinGen allele CA384658368.

ClinVar aggregate classification (germline): Pathogenic/Likely pathogenic. Review status: criteria provided, multiple submitters, no conflicts (2 of 4 stars). 6 submissions from 5 submitters: Pathogenic (3); Likely pathogenic (3). Last evaluated 2025-07-31.

Conditions:
Microcephaly. Also called: Microcephaly (disease). Identifiers: MedGen C4551563, MONDO:0001149, HP:0000252.
Pectus excavatum. Also called: funnel chest. Identifiers: MedGen C2051831, MONDO:0008213, OMIM 169300, HP:0000767.
Atrophy/Degeneration affecting the central nervous system. Identifiers: MedGen C4024899, HP:0007367.
Intellectual disability. Also called: intellectual disabilities; Intellectual functioning disability; Intellectual developmental disorder. Identifiers: MedGen C3714756, MeSH D008607, MONDO:0001071, HP:0001249.
Hypotonia. Also called: Muscular hypotonia; poor muscle tone. Identifiers: MedGen C0026827, HP:0001252.
Myopathic facies. Identifiers: MedGen C0332615, HP:0002058.
Global developmental delay (DD). Also called: Cognitive delay. Identifiers: MedGen C0557874, HP:0001263. Disease mechanism: loss of function.
ARF3-related disorder.
Autism (AUTS). Also called: Autistic disorder; Autistic disorder of childhood onset. Identifiers: MedGen C0004352, MeSH D001321, MONDO:0005260, OMIM 209850, HP:0000717.
Bifid uvula. Identifiers: Orphanet 99771, MedGen C4551488, MONDO:0008637, OMIM 192100, HP:0000193.
Long neck. Identifiers: MedGen C1839816, HP:0000472.
Self-injurious behavior. Identifiers: MedGen C0085271, HP:0100716.
Abnormality of the dentition. Also called: Dental anomalies. Identifiers: MedGen C0262444, HP:0000164.
Motor delay. Also called: Motor Developmental Delay; Motor retardation. Identifiers: MedGen C1854301, HP:0001270.
Delayed speech and language development. Also called: Language delay. Identifiers: MedGen C0454644, HP:0000750.
Clinodactyly. Identifiers: MedGen C4551485, HP:0030084.
Long ear. Identifiers: MedGen C1848657, HP:0400004.
Delayed early-childhood social milestone development. Identifiers: MedGen C4022906, HP:0012434.
Neurodevelopmental delay. Identifiers: MedGen C4022738, HP:0012758.

Submissions (6):

Tartaglia Lab, Genetics and Rare Diseases Research Division, Bambino Gesu' Children's Hospital
Classification: Likely pathogenic for ARF3-related disorder. Last evaluated: 2025-07-31. Review status: criteria provided, single submitter. Criteria: ACMG Guidelines, 2015. Collection method: research. Allele origin: de novo. Affected: yes.

Institute for Genomic Medicine, Nationwide Children's Hospital
Classification: Likely pathogenic for Global developmental delay; Hypotonia; Myopathic facies. Last evaluated: 2025-06-18. Review status: criteria provided, single submitter. Criteria: ACMG Guidelines, 2015. Collection method: clinical testing. Allele origin: de novo. Inheritance: Autosomal dominant inheritance. Affected: yes.
Comment: The c.277G>A variant is predicted to cause a missense change (p.Asp93Asn) that is damaging according to most in silico tools including REVEL (0.809). It is absent from the gnomAD (v4) and All of Us (v6) databases, making it extremely rare. It has also been reported to ClinVar as pathogenic / likely pathogenic by multiple laboratories and described in the literature. We interpret this variant as Likely Pathogenic.

GeneDx
Classification: Pathogenic. Last evaluated: 2025-01-02. Review status: criteria provided, single submitter. Criteria: GeneDx Variant Classification Process June 2021. Collection method: clinical testing. Allele origin: germline.
Comment: Not observed at significant frequency in large population cohorts (gnomAD); In silico analysis supports that this missense variant has a deleterious effect on protein structure/function; In silico analysis suggests this variant may impact gene splicing. In the absence of RNA/functional studies, the actual effect of this sequence change is unknown.; This variant is associated with the following publications: (PMID: 36369169)

Centre of Medical Genetics, University Hospital Muenster
Classification: Pathogenic. Last evaluated: 2023-09-04. Review status: criteria provided, single submitter. Criteria: ACMG Guidelines, 2015. Collection method: clinical testing. Allele origin: unknown. Affected: yes. Observed: 1 variant allele, 1 heterozygote.
Comment: ACMG categories: PS1,PS4,PM2,PM6

Institute of Human Genetics, University of Leipzig Medical Center
Classification: Likely pathogenic for Abnormality of the dentition; Bifid uvula; Long neck; Autism; Delayed speech and language development; Global developmental delay; Motor delay; Delayed early-childhood social milestone development; Neurodevelopmental delay; Clinodactyly; Self-injurious behavior; Long ear. Last evaluated: 2023-03-21. Review status: criteria provided, single submitter. Criteria: ACMG Guidelines, 2015. Collection method: clinical testing. Allele origin: unknown. Affected: yes.
Comment: _x000D_ Criteria applied: PS3, PM2_SUP, PM6_SUP, PP3

Tartaglia Lab, Genetics and Rare Diseases Research Division, Bambino Gesu' Children's Hospital
Classification: Pathogenic for Microcephaly; Intellectual disability; Hypotonia; Atrophy/Degeneration affecting the central nervous system; Pectus excavatum. Review status: criteria provided, single submitter. Criteria: ACMG Guidelines, 2015. Collection method: research. Allele origin: de novo. Affected: yes.

Literature cited by the submitters: PubMed 36369169 (cited by Tartaglia Lab, Genetics and Rare Diseases Research Division, Bambino Gesu' Children's Hospital and Institute for Genomic Medicine, Nationwide Children's Hospital).